The following is an entry in ClinVar:

NM_000512.5(GALNS):c.973TGG[1] (p.Trp326del)

Gene: GALNS (galactosamine (N-acetyl)-6-sulfatase; minus strand). Cytogenetic location: 16q24.3.
Variant type: Microsatellite.
Coding change: c.973TGG[1] on transcript NM_000512.5 (MANE Select); one copy of the 3-base unit TGG starting at c.973; the reference has two copies in a row; one copy, 3 bases deleted; also written c.976_978del.
Protein change: p.Trp326del; deletes tryptophan 326.
Molecular consequence: inframe deletion.
Genome position (GRCh38, 1-based): chr16:88,832,022-88,832,024, CCA deleted on the plus strand (TGG on the coding strand, the reverse complement: GALNS is on the minus strand); deleting any 3 consecutive bases within chr16:88,832,022-88,832,027 gives the same sequence; the position shown is the placement nearest the transcript's 3' end. VCF-style (leftmost placement, unchanged base first): chr16-88832021-GCCA-G. GRCh37 (hg19) VCF-style: chr16-88898429-GCCA-G.
Other names: c.976_978del (NM_000512.5); c.991TGG[1], p.Trp332del (NM_001323544.2); c.418TGG[1], p.Trp141del (NM_001323543.2); short protein forms W141del, W326del, W332del.
Identifiers: ClinVar variation 1048318 (VCV001048318.3), dbSNP rs2142999135, ClinGen allele CA2580612842.

ClinVar aggregate classification (germline): Uncertain significance (1 of 4 stars; one submission).

Conditions:
Mucopolysaccharidosis, MPS-IV-A (MPS4A). Also called: Mucopolysaccharidosis type IV A; Mucopolysaccharidosis Type IVA; Morquio syndrome A, mild; MORQUIO SYNDROME A; MPS IVA; mucopolysaccharidosis type 4A. Identifiers: Orphanet 309297, Orphanet 582, MedGen C0086651, MONDO:0009659, OMIM 253000.

Submission:

Laboratory of Diagnosis and Therapy of Lysosomal Disorders, University of Padova
Classification: Uncertain significance for Mucopolysaccharidosis, MPS-IV-A. Last evaluated: 2021-02-01. Review status: criteria provided, single submitter. Criteria: ACMG Guidelines, 2015. Collection method: curation. Allele origin: germline. Affected: yes.
Comment: Absent from gnomAD v2.1.1 (PM2_moderate); protein length changes as a result of in-frame deletions/insertions in a nonrepeat region (PM4_supporting)

Literature cited by the submitters: PubMed 9298823; PubMed 34387910.